The following is an entry in ClinVar:

ClinVar aggregate classification (germline): Uncertain significance (1 of 4 stars; one submission).

Submission:

GeneDx
Classification: Uncertain significance. Last evaluated: 2024-04-18. Review status: criteria provided, single submitter. Criteria: GeneDx Variant Classification Process June 2021. Collection method: clinical testing. Allele origin: germline. Affected: yes.
Comment: Not observed at significant frequency in large population cohorts (gnomAD); In silico analysis supports a deleterious effect on splicing; Has not been previously published as pathogenic or benign to our knowledge

NM_012398.3(PIP5K1C):c.1212-3C>G

Gene: PIP5K1C (phosphatidylinositol-4-phosphate 5-kinase type 1 gamma; minus strand). Cytogenetic location: 19p13.3.
Variant type: single nucleotide variant.
Coding change: c.1212-3C>G on transcript NM_012398.3 (MANE Select); 3 bases into the intron before coding-DNA position 1212, C replaced by G.
Molecular consequence: intron variant.
Genome position (GRCh38, 1-based): chr19:3,647,389, G>C on the plus strand (C>G on the coding strand, the complement: PIP5K1C is on the minus strand). VCF-style: chr19-3647389-G-C. GRCh37 (hg19) VCF-style: chr19-3647387-G-C.
Other names: c.1212-3C>G (NM_001195733.2, NM_001300849.2).
Identifiers: ClinVar variation 3372762 (VCV003372762.1).
Genomic context (GRCh38, chr19:3,647,389, plus strand): 5'-GGCGCTCACCCCATCGTGGACGAGGGCCTTCCAGGTGTGCTCCAGTTTCTTGATGAACCT[G>C]TGGAGAGAGCACCCGGAGTGGCAGCTGACATCAGCCAAGCCCATGCCAGGCCACCTCACT-3'